The following is an entry in ClinVar:

NM_000092.5(COL4A4):c.2647C>A (p.Pro883Thr)

Gene: COL4A4 (collagen type IV alpha 4 chain; minus strand). Cytogenetic location: 2q36.3.
Variant type: single nucleotide variant.
Coding change: c.2647C>A on transcript NM_000092.5 (MANE Select); coding-DNA position 2647, C replaced by A.
Protein change: p.Pro883Thr; replaces proline 883 with threonine.
Molecular consequence: missense variant.
Genome position (GRCh38, 1-based): chr2:227,056,014, G>T on the plus strand (C>A on the coding strand, the complement: COL4A4 is on the minus strand). VCF-style: chr2-227056014-G-T. GRCh37 (hg19) VCF-style: chr2-227920730-G-T.
Other names: short protein forms P883T.
Identifiers: ClinVar variation 930121 (VCV000930121.20), dbSNP rs200761108, ClinGen allele CA2144750.

ClinVar aggregate classification (germline): Conflicting classifications of pathogenicity. Review status: criteria provided, conflicting classifications (1 of 4 stars). 4 submissions from 4 submitters: Uncertain significance (2); Likely benign (2). Last evaluated 2026-01-06.

Conditions:
Inborn genetic diseases. Identifiers: MedGen C0950123, MeSH D030342.

Allele frequency attached by ClinVar (database versions not stated): TOPMed 0.00021; 1000 Genomes Project 0.00040; 1000 Genomes Project 30x 0.00047; ESP Exome Variant Server 0.00051.
gnomAD v4.1: 77 of 1,613,320 alleles (0.0048%); highest among the groups gnomAD compares: African/African-American, 0.096%; no homozygotes.

Submissions (4):

Labcorp Genetics (formerly Invitae), Labcorp
Classification: Likely benign. Last evaluated: 2026-01-06. Review status: criteria provided, single submitter. Criteria: Invitae Variant Classification Sherloc (09022015). Collection method: clinical testing. Allele origin: germline.

GeneDx
Classification: Uncertain significance. Last evaluated: 2025-10-01. Review status: criteria provided, single submitter. Criteria: GeneDx Variant Classification Process June 2021. Collection method: clinical testing. Allele origin: germline. Affected: yes.
Comment: In silico analysis suggests that this missense variant does not alter protein structure/function; Occurs in the triple helical domain at the X position in the canonical Gly-X-Y repeat; although this variant may have an effect on normal protein folding and function, missense substitution at the X position is not a common mechanism of disease; Has not been previously published as pathogenic or benign to our knowledge

Ambry Genetics
Classification: Uncertain significance for Inborn genetic diseases. Last evaluated: 2025-09-05. Review status: criteria provided, single submitter. Criteria: Ambry Variant Classification Scheme 2023. Collection method: clinical testing. Allele origin: germline.

Laboratory for Molecular Medicine, Mass General Brigham Personalized Medicine
Classification: Likely benign. Last evaluated: 2019-06-07. Review status: criteria provided, single submitter. Criteria: LMM Criteria. Collection method: clinical testing. Allele origin: germline. Observed: 1 variant allele.
Comment: The p.Pro883Thr variant in COL4A4 is classified as likely benign due to a lack of conservation across species. Four mammals (Tibetan antelope, cow, sheep, domestic goat) carry a threonine (Thr) at this position despite high nearby amino acid conservation. It has been identified in 0.1% (32/24150) of African chromosomes by gnomAD. ACMG/AMP Criteria applied: BP4_Strong, BS1_Supporting.